The following is an entry in ClinVar:

ClinVar aggregate classification (germline): Uncertain significance. Review status: criteria provided, multiple submitters, no conflicts (2 of 4 stars). 2 submissions from 2 submitters: Uncertain significance (2). Last evaluated 2021-09-30.

Conditions:
Hereditary cancer-predisposing syndrome. Also called: Hereditary neoplastic syndrome; Neoplastic Syndromes, Hereditary; Tumor predisposition; Hereditary Cancer Syndrome. Identifiers: Orphanet 140162, MedGen C0027672, MeSH D009386, MONDO:0015356.

Submissions (2):

Ambry Genetics
Classification: Uncertain significance for Hereditary cancer-predisposing syndrome. Last evaluated: 2021-09-30. Review status: criteria provided, single submitter. Criteria: Ambry Variant Classification Scheme 2023. Collection method: clinical testing. Allele origin: germline.
Comment: The p.A1402P variant (also known as c.4204G>C), located in coding exon 20 of the MET gene, results from a G to C substitution at nucleotide position 4204. The alanine at codon 1402 is replaced by proline, an amino acid with highly similar properties. This amino acid position is not well conserved in available vertebrate species. In addition, this alteration is predicted to be tolerated by in silico analysis. Since supporting evidence is limited at this time, the clinical significance of this alteration remains unclear.

GeneDx
Classification: Uncertain significance. Last evaluated: 2021-01-12. Review status: criteria provided, single submitter. Criteria: GeneDx Variant Classification Process June 2021. Collection method: clinical testing. Allele origin: germline. Affected: yes.
Comment: Not observed in large population cohorts (Lek 2016); In silico analysis supports that this missense variant does not alter protein structure/function; Has not been previously published as pathogenic or benign to our knowledge

NM_000245.4(MET):c.4150G>C (p.Ala1384Pro)

Gene: MET (MET proto-oncogene, receptor tyrosine kinase; plus strand). Cytogenetic location: 7q31.2.
Variant type: single nucleotide variant.
Coding change: c.4150G>C on transcript NM_000245.4 (MANE Select); coding-DNA position 4150, G replaced by C.
Protein change: p.Ala1384Pro; replaces alanine 1384 with proline.
Molecular consequence: missense variant.
Genome position (GRCh38, 1-based): chr7:116,796,101, G>C. VCF-style: chr7-116796101-G-C. GRCh37 (hg19) VCF-style: chr7-116436155-G-C.
Other names: c.4204G>C, p.Ala1402Pro (NM_001127500.3); c.2860G>C, p.Ala954Pro (NM_001324402.2); short protein forms A1384P, A1402P, A954P.
Identifiers: ClinVar variation 1321052 (VCV001321052.4), dbSNP rs758486336, ClinGen allele CA369118494.